The following is an entry in ClinVar:

ClinVar aggregate classification (germline): Conflicting classifications of pathogenicity. Review status: criteria provided, conflicting classifications (1 of 4 stars). 3 submissions from 3 submitters: Uncertain significance (2); Likely benign (1). Last evaluated 2025-10-06.

Conditions:
Inborn genetic diseases. Identifiers: MedGen C0950123, MeSH D030342.
Keratosis follicularis (DAR). Also called: Darier disease; Darier's disease. Identifiers: Orphanet 218, MedGen C0022595, MONDO:0007417, OMIM 124200.

Allele frequency attached by ClinVar (database versions not stated): gnomAD 0.00001; gnomAD exomes 0.00001 and 0.00002; TOPMed 0.00001; ExAC 0.00002.
gnomAD v4.1: 15 of 1,614,070 alleles (0.00093%); highest among the groups gnomAD compares: Admixed American, 0.0067%; no homozygotes.

Submissions (3):

Labcorp Genetics (formerly Invitae), Labcorp
Classification: Uncertain significance. Last evaluated: 2025-10-06. Review status: criteria provided, single submitter. Criteria: Invitae Variant Classification Sherloc (09022015). Collection method: clinical testing. Allele origin: germline.
Comment: This sequence change replaces valine, which is neutral and non-polar, with isoleucine, which is neutral and non-polar, at codon 687 of the ATP2A2 protein (p.Val687Ile). This variant is present in population databases (rs773326317, gnomAD 0.009%). This variant has not been reported in the literature in individuals affected with ATP2A2-related conditions. ClinVar contains an entry for this variant (Variation ID: 883129). Invitae Evidence Modeling of protein sequence and biophysical properties (such as structural, functional, and spatial information, amino acid conservation, physicochemical variation, residue mobility, and thermodynamic stability) indicates that this missense variant is not expected to disrupt ATP2A2 protein function with a negative predictive value of 80%. In summary, the available evidence is currently insufficient to determine the role of this variant in disease. Therefore, it has been classified as a Variant of Uncertain Significance.

Ambry Genetics
Classification: Uncertain significance for Inborn genetic diseases. Last evaluated: 2024-04-20. Review status: criteria provided, single submitter. Criteria: Ambry Variant Classification Scheme 2023. Collection method: clinical testing. Allele origin: germline.

Illumina Laboratory Services, Illumina
Classification: Likely benign for Keratosis follicularis. Last evaluated: 2018-01-13. Review status: criteria provided, single submitter. Criteria: ICSL Variant Classification Criteria 13 December 2019. Collection method: clinical testing. Allele origin: germline.
Comment: This variant was observed in the ICSL laboratory as part of a predisposition screen in an ostensibly healthy population. It had not been previously curated by ICSL or reported in the Human Gene Mutation Database (HGMD: prior to June 1st, 2018), and was therefore a candidate for classification through an automated scoring system. Utilizing variant allele frequency, disease prevalence and penetrance estimates, and inheritance mode, an automated score was calculated to assess if this variant is too frequent to cause the disease. Based on the score and internal cut-off values, a variant classified as likely benign is not then subjected to further curation. The score for this variant resulted in a classification of likely benign for this disease.

NM_170665.4(ATP2A2):c.2059G>A (p.Val687Ile)

Genes: ATP2A2 (ATPase sarcoplasmic/endoplasmic reticulum Ca2+ transporting 2; plus strand), LOC126861637 (MED14-independent group 3 enhancer GRCh37_chr12:110778306-110779505; plus strand). Cytogenetic location: 12q24.11.
Variant type: single nucleotide variant.
Coding change: c.2059G>A on transcript NM_170665.4 (MANE Select); coding-DNA position 2059, G replaced by A.
Protein change: p.Val687Ile; replaces valine 687 with isoleucine.
Molecular consequence: missense variant.
Genome position (GRCh38, 1-based): chr12:110,340,956, G>A. VCF-style: chr12-110340956-G-A. GRCh37 (hg19) VCF-style: chr12-110778761-G-A.
Other names: c.2059G>A, p.Val687Ile (NM_001681.4); short protein forms V687I.
Identifiers: ClinVar variation 883129 (VCV000883129.9), dbSNP rs773326317, ClinGen allele CA6784026.